The following is an entry in ClinVar:

NM_003737.4(DCHS1):c.9787G>A (p.Ala3263Thr)

Gene: DCHS1 (dachsous cadherin-related 1; minus strand). Cytogenetic location: 11p15.4.
Variant type: single nucleotide variant.
Coding change: c.9787G>A on transcript NM_003737.4 (MANE Select); coding-DNA position 9787, G replaced by A.
Protein change: p.Ala3263Thr; replaces alanine 3263 with threonine.
Molecular consequence: missense variant.
Genome position (GRCh38, 1-based): chr11:6,621,889, C>T on the plus strand (G>A on the coding strand, the complement: DCHS1 is on the minus strand). VCF-style: chr11-6621889-C-T. GRCh37 (hg19) VCF-style: chr11-6643120-C-T.
Other names: short protein forms A3263T.
Identifiers: ClinVar variation 1932552 (VCV001932552.6), dbSNP rs139763043, ClinGen allele CA5859181.

ClinVar aggregate classification (germline): Uncertain significance. Review status: criteria provided, multiple submitters, no conflicts (2 of 4 stars). 2 submissions from 2 submitters: Uncertain significance (2). Last evaluated 2026-01-18.

Conditions:
Inborn genetic diseases. Identifiers: MedGen C0950123, MeSH D030342.

Allele frequency attached by ClinVar (database versions not stated): TOPMed 0.00002; gnomAD 0.00003; gnomAD exomes 0.00003; ExAC 0.00004; ESP Exome Variant Server 0.00015.
gnomAD v4.1: 44 of 1,612,122 alleles (0.0027%); highest among the groups gnomAD compares: South Asian, 0.0088%; no homozygotes.

Submissions (2):

Labcorp Genetics (formerly Invitae), Labcorp
Classification: Uncertain significance. Last evaluated: 2026-01-18. Review status: criteria provided, single submitter. Criteria: Invitae Variant Classification Sherloc (09022015). Collection method: clinical testing. Allele origin: germline.
Comment: This sequence change replaces alanine, which is neutral and non-polar, with threonine, which is neutral and polar, at codon 3263 of the DCHS1 protein (p.Ala3263Thr). This variant is present in population databases (rs139763043, gnomAD 0.006%). This variant has not been reported in the literature in individuals affected with DCHS1-related conditions. ClinVar contains an entry for this variant (Variation ID: 1932552). Invitae Evidence Modeling of protein sequence and biophysical properties (such as structural, functional, and spatial information, amino acid conservation, physicochemical variation, residue mobility, and thermodynamic stability) indicates that this missense variant is not expected to disrupt DCHS1 protein function with a negative predictive value of 95%. In summary, the available evidence is currently insufficient to determine the role of this variant in disease. Therefore, it has been classified as a Variant of Uncertain Significance.

Ambry Genetics
Classification: Uncertain significance for Inborn genetic diseases. Last evaluated: 2022-02-28. Review status: criteria provided, single submitter. Criteria: Ambry Variant Classification Scheme 2023. Collection method: clinical testing. Allele origin: germline.